The following is an entry in ClinVar:

ClinVar aggregate classification (germline): Conflicting classifications of pathogenicity. Review status: criteria provided, conflicting classifications (1 of 4 stars). 7 submissions from 7 submitters: Uncertain significance (5); Likely benign (2). Last evaluated 2026-05-12.

Conditions:
GPSM2-related disorder. Also called: GPSM2-related condition; GPSM2-related disorders.
Inborn genetic diseases. Identifiers: MedGen C0950123, MeSH D030342.
Chudley-McCullough syndrome (CMCS). Also called: DEAFNESS, SENSORINEURAL, WITH PARTIAL AGENESIS OF THE CORPUS CALLOSUM AND ARACHNOID CYSTS; Deafness, autosomal recessive 82. Identifiers: Orphanet 314597, MedGen C1858695, MONDO:0011411, OMIM 604213.

Allele frequency attached by ClinVar (database versions not stated): 1000 Genomes Project 30x 0.00016; TOPMed 0.00028; ESP Exome Variant Server 0.00054.
gnomAD v4.1: 487 of 1,612,038 alleles (0.03%); highest among the groups gnomAD compares: East Asian, 0.069%; 2 homozygotes.

Submissions (7):

PreventionGenetics, part of Exact Sciences
Classification: Uncertain significance for GPSM2-related condition. Last evaluated: 2026-05-12. Review status: criteria provided, single submitter. Criteria: ACMG Guidelines, 2015. Collection method: clinical testing. Allele origin: germline.
Comment: The GPSM2 c.1472G>C variant is predicted to result in the amino acid substitution p.Gly491Ala. This variant was reported as de novo in an individual with autism spectrum disorder (Table S20, Fu et al. 2022. PubMed ID: 35982160). This variant is reported in 0.070% of alleles in individuals of East Asian descent in gnomAD, including one homozygote. Although we suspect that this variant may be benign, at this time, the clinical significance of this variant is uncertain due to the absence of conclusive functional and genetic evidence.

Labcorp Genetics (formerly Invitae), Labcorp
Classification: Likely benign. Last evaluated: 2025-08-25. Review status: criteria provided, single submitter. Criteria: Invitae Variant Classification Sherloc (09022015). Collection method: clinical testing. Allele origin: germline.

Blueprint Genetics
Classification: Uncertain significance. Last evaluated: 2024-03-15. Review status: criteria provided, single submitter. Criteria: ACMG Guidelines, 2015. Collection method: clinical testing. Allele origin: germline.

Ambry Genetics
Classification: Uncertain significance for Inborn genetic diseases. Last evaluated: 2021-08-16. Review status: criteria provided, single submitter. Criteria: Ambry Variant Classification Scheme 2023. Collection method: clinical testing. Allele origin: germline.

GeneDx
Classification: Likely benign. Last evaluated: 2021-02-26. Review status: criteria provided, single submitter. Criteria: GeneDx Variant Classification Process June 2021. Collection method: clinical testing. Allele origin: germline. Affected: yes.

Athena Diagnostics
Classification: Uncertain significance. Last evaluated: 2020-07-22. Review status: criteria provided, single submitter. Criteria: Athena Diagnostics Criteria. Collection method: clinical testing. Allele origin: unknown.

Illumina Laboratory Services, Illumina
Classification: Uncertain significance for Chudley-McCullough syndrome. Last evaluated: 2018-01-12. Review status: criteria provided, single submitter. Criteria: ICSL Variant Classification Criteria 13 December 2019. Collection method: clinical testing. Allele origin: germline.

NM_013296.5(GPSM2):c.1472G>C (p.Gly491Ala)

Gene: GPSM2 (G protein signaling modulator 2; plus strand). Cytogenetic location: 1p13.3.
Variant type: single nucleotide variant.
Coding change: c.1472G>C on transcript NM_013296.5 (MANE Select); coding-DNA position 1472, G replaced by C.
Protein change: p.Gly491Ala; replaces glycine 491 with alanine.
Molecular consequence: missense variant.
Genome position (GRCh38, 1-based): chr1:108,922,448, G>C. VCF-style: chr1-108922448-G-C. GRCh37 (hg19) VCF-style: chr1-109465070-G-C.
Other names: c.1472G>C, p.Gly491Ala (NM_001321038.2, NM_001321039.3); short protein forms G491A.
Identifiers: ClinVar variation 873665 (VCV000873665.15), dbSNP rs147906282, ClinGen allele CA983069.
Genomic context (GRCh38, chr1:108,922,448, plus strand): 5'-ATAAACTAGACTTCCTCTCAATATTTTAGAAAATCAGTGCAGATACTATTGGAGATGAAG[G>C]GTTCTTTGACTTATTAAGCCGATTTCAAAGCAATAGGATGGATGATCAGAGATGTTGCTT-3'
Protein context (NP_037428.3, residues 481-501): KISADTIGDE[Gly491Ala]FFDLLSRFQS